The following is an entry in ClinVar:

NM_018010.4(IFT57):c.1112-1G>A

Gene: IFT57 (intraflagellar transport 57; minus strand). Cytogenetic location: 3q13.12.
Variant type: single nucleotide variant.
Coding change: c.1112-1G>A on transcript NM_018010.4 (MANE Select); the canonical splice acceptor site of the intron before coding-DNA position 1112, G replaced by A.
Molecular consequence: splice acceptor variant.
Genome position (GRCh38, 1-based): chr3:108,162,656, C>T on the plus strand (G>A on the coding strand, the complement: IFT57 is on the minus strand). VCF-style: chr3-108162656-C-T. GRCh37 (hg19) VCF-style: chr3-107881503-C-T.
Identifiers: ClinVar variation 4779115 (VCV004779115.1).

ClinVar aggregate classification (germline): Uncertain significance (1 of 4 stars; one submission).

Submission:

Labcorp Genetics (formerly Invitae), Labcorp
Classification: Uncertain significance. Last evaluated: 2025-04-30. Review status: criteria provided, single submitter. Criteria: Invitae Variant Classification Sherloc (09022015). Collection method: clinical testing. Allele origin: germline.
Comment: This sequence change falls in intron 10 of the IFT57 gene. It does not directly change the encoded amino acid sequence of the IFT57 protein. It affects a nucleotide within the consensus splice site. This variant is not present in population databases (gnomAD no frequency). This variant has not been reported in the literature in individuals affected with IFT57-related conditions. Variants that disrupt the consensus splice site are a relatively common cause of aberrant splicing (PMID: 17576681, 9536098). Algorithms developed to predict the effect of sequence changes on RNA splicing suggest that this variant may disrupt the consensus splice site. In summary, the available evidence is currently insufficient to determine the role of this variant in disease. Therefore, it has been classified as a Variant of Uncertain Significance.

Literature cited by the submitters: PubMed 17576681; PubMed 9536098.